The following is an entry in ClinVar:

ClinVar aggregate classification (germline): Uncertain significance (1 of 4 stars; one submission).

Conditions:
Primary ciliary dyskinesia. Also called: Ciliary dyskinesia. Identifiers: Orphanet 244, MedGen C0008780, MONDO:0016575, HP:0012265.

Submission:

Labcorp Genetics (formerly Invitae), Labcorp
Classification: Uncertain significance for Primary ciliary dyskinesia. Last evaluated: 2022-03-14. Review status: criteria provided, single submitter. Criteria: Invitae Variant Classification Sherloc (09022015). Collection method: clinical testing. Allele origin: germline.
Comment: This sequence change replaces asparagine, which is neutral and polar, with threonine, which is neutral and polar, at codon 226 of the RPGR protein (p.Asn226Thr). This variant is not present in population databases (gnomAD no frequency). In summary, the available evidence is currently insufficient to determine the role of this variant in disease. Therefore, it has been classified as a Variant of Uncertain Significance. Algorithms developed to predict the effect of missense changes on protein structure and function (SIFT, PolyPhen-2, Align-GVGD) all suggest that this variant is likely to be tolerated. This variant has not been reported in the literature in individuals affected with RPGR-related conditions.

NM_001034853.2(RPGR):c.677A>C (p.Asn226Thr)

Gene: RPGR (retinitis pigmentosa GTPase regulator; minus strand). Cytogenetic location: Xp11.4.
Variant type: single nucleotide variant.
Coding change: c.677A>C on transcript NM_001034853.2 (MANE Select); coding-DNA position 677, A replaced by C.
Protein change: p.Asn226Thr; replaces asparagine 226 with threonine.
Molecular consequence: missense variant. On other transcripts: non-coding transcript variant (6).
Genome position (GRCh38, 1-based): chrX:38,310,716, T>G on the plus strand (A>C on the coding strand, the complement: RPGR is on the minus strand). VCF-style: chrX-38310716-T-G. GRCh37 (hg19) VCF-style: chrX-38169969-T-G.
Other names: c.677A>C, p.Asn226Thr (NM_000328.3, NM_001367246.1, NM_001367247.1 and 1 more transcripts); c.674A>C, p.Asn225Thr (NM_001367245.1, NM_001367249.1, NM_001367250.1); c.707A>C, p.Asn236Thr (NM_001367248.1); short protein forms N225T, N226T, N236T.
Identifiers: ClinVar variation 1945493 (VCV001945493.5), dbSNP rs760123267, ClinGen allele CA412742882.
Genomic context (GRCh38, chrX:38,310,716, plus strand): 5'-ATCACCTTCTCCGGAATTTCAGACACCAGCTGGGGTGTTCTGTGATTGCCCAGGAGCTGA[T>G]TGGGAAGACCTAACTTCCCATTCTCAGGTTCTCCAAACACATATAGCTCACCATCTGCTA-3'
Protein context (NP_001030025.1, residues 216-236): EPENGKLGLP[Asn226Thr]QLLGNHRTPQ